The following is an entry in ClinVar:

ClinVar aggregate classification (germline): Uncertain significance (1 of 4 stars; one submission).

Allele frequency attached by ClinVar (database versions not stated): TOPMed 0.00003; gnomAD exomes 0.00005 and 0.00011; ExAC 0.00006; gnomAD 0.00007.

Submission:

Labcorp Genetics (formerly Invitae), Labcorp
Classification: Uncertain significance. Last evaluated: 2025-03-17. Review status: criteria provided, single submitter. Criteria: Invitae Variant Classification Sherloc (09022015). Collection method: clinical testing. Allele origin: germline.
Comment: This sequence change replaces lysine, which is basic and polar, with glutamic acid, which is acidic and polar, at codon 86 of the ACBD5 protein (p.Lys86Glu). This variant is present in population databases (rs754365597, gnomAD 0.01%). This variant has not been reported in the literature in individuals affected with ACBD5-related conditions. ClinVar contains an entry for this variant (Variation ID: 1022137). Invitae Evidence Modeling of protein sequence and biophysical properties (such as structural, functional, and spatial information, amino acid conservation, physicochemical variation, residue mobility, and thermodynamic stability) indicates that this missense variant is not expected to disrupt ACBD5 protein function with a negative predictive value of 80%. In summary, the available evidence is currently insufficient to determine the role of this variant in disease. Therefore, it has been classified as a Variant of Uncertain Significance.

NM_145698.5(ACBD5):c.256A>G (p.Lys86Glu)

Gene: ACBD5 (acyl-CoA binding domain containing 5; minus strand). Cytogenetic location: 10p12.1.
Variant type: single nucleotide variant.
Coding change: c.256A>G on transcript NM_145698.5 (MANE Select); coding-DNA position 256, A replaced by G.
Protein change: p.Lys86Glu; replaces lysine 86 with glutamic acid.
Molecular consequence: missense variant. On other transcripts: intron variant (7).
Genome position (GRCh38, 1-based): chr10:27,235,138, T>C on the plus strand (A>G on the coding strand, the complement: ACBD5 is on the minus strand). VCF-style: chr10-27235138-T-C. GRCh37 (hg19) VCF-style: chr10-27524067-T-C.
Other names: c.151A>G, p.Lys51Glu (NM_001042473.4, NM_001352574.2, NM_001352575.2 and 6 more transcripts); c.250A>G, p.Lys84Glu (NM_001271512.3, NM_001352571.1, NM_001352586.1 and 1 more transcripts); c.277A>G, p.Lys93Glu (NM_001352568.1, NM_001352572.1); c.256A>G, p.Lys86Glu (NM_001352569.1, NM_001352570.1, NM_001352573.1 and 2 more transcripts); c.-25-3318A>G (NM_001301253.2, NM_001301251.2, NM_001352583.1 and 4 more transcripts); short protein forms K51E, K84E, K86E, K93E.
Identifiers: ClinVar variation 1022137 (VCV001022137.5), dbSNP rs754365597, ClinGen allele CA5451009.